The following is an entry in ClinVar:

NM_001854.4(COL11A1):c.2922A>C (p.Pro974=)

Gene: COL11A1 (collagen type XI alpha 1 chain; minus strand). Cytogenetic location: 1p21.1.
Variant type: single nucleotide variant.
Coding change: c.2922A>C on transcript NM_001854.4 (MANE Select); coding-DNA position 2922, A replaced by C.
Protein change: p.Pro974=; no amino-acid change (proline 974 retained).
Molecular consequence: synonymous variant. On other transcripts: non-coding transcript variant (1).
Genome position (GRCh38, 1-based): chr1:102,962,755, T>G on the plus strand (A>C on the coding strand, the complement: COL11A1 is on the minus strand). VCF-style: chr1-102962755-T-G. GRCh37 (hg19) VCF-style: chr1-103428311-T-G.
Other names: c.2805A>C, p.Pro935= (NM_001190709.2); c.2958A>C, p.Pro986= (NM_080629.3); c.2574A>C, p.Pro858= (NM_080630.4).
Identifiers: ClinVar variation 737759 (VCV000737759.6), dbSNP rs1570881250, ClinGen allele CA419197847.

ClinVar aggregate classification (germline): Likely benign. Review status: criteria provided, multiple submitters, no conflicts (2 of 4 stars). 3 submissions from 3 submitters: Likely benign (2). 1 of the submissions does not count toward it. Last evaluated 2022-11-30.

Conditions:
COL11A1-related disorder. Also called: COL11A1-related condition; COL11A1-related disorders.

Submissions (3):

Blueprint Genetics
Classification: Likely benign. Last evaluated: 2022-11-30. Review status: criteria provided, single submitter. Criteria: ACMG Guidelines, 2015. Collection method: clinical testing. Allele origin: germline.

Labcorp Genetics (formerly Invitae), Labcorp
Classification: Likely benign. Last evaluated: 2018-04-09. Review status: criteria provided, single submitter. Criteria: Invitae Variant Classification Sherloc (09022015). Collection method: clinical testing. Allele origin: germline.

PreventionGenetics, part of Exact Sciences
Classification: Likely benign for COL11A1-related condition. Last evaluated: 2024-02-07. Review status: no assertion criteria provided. Collection method: clinical testing. Allele origin: germline. Not counted in ClinVar's aggregate classification.
Comment: This variant is classified as likely benign based on ACMG/AMP sequence variant interpretation guidelines (Richards et al. 2015 PMID: 25741868, with internal and published modifications).